The following is an entry in ClinVar:

NC_000002.12:g.200978777_201106301dup

Genes: HYCC2 (hyccin PI4KA lipid kinase complex subunit 2; minus strand), NDUFB3 (NADH:ubiquinone oxidoreductase subunit B3; plus strand), LOC105373835 (uncharacterized LOC105373835; plus strand), LOC129935396 (ATAC-STARR-seq lymphoblastoid active region 16970; plus strand), LOC129935397 (ATAC-STARR-seq lymphoblastoid active region 16971; plus strand). Cytogenetic location: 2q33.1.
Variant type: Duplication.
Identifiers: ClinVar variation 156813 (VCV000156813.2).

ClinVar aggregate classification (germline): not provided (0 of 4 stars; one submission).

Conditions:
Normal pregnancy. Identifiers: MedGen C0232989.

Submission:

Institute of Molecular and Cell Biology, University of Tartu
No classification provided. Condition: Normal pregnancy. Review status: no classification provided. Collection method: case-control. Allele origin: unknown. Affected: yes. Study: Kasak2014.
Comment: The study aimed to determine the contribution of copy number variants in the genetic etiology of normal and complicated pregnancies. The samples represented (i) maternal blood DNA drawn from healthy pregnant women during 1st or 2nd trimester and (ii) maternal and paternal blood DNA drawn at term pregnancy cases representing normal and complicated gestations (severe preeclampsia, PE; gestational diabetes, GD; small-for-gestational age newborn, SGA; large-for-gestational age newborn, LGA). We performed CNV calling based on genome-wide genotyping dataset (Illumina HumanOmniExpress-24-v1 BeadChip) by applying three algorithms, QuantiSNP, GADA (Genome Alteration Detection Algorithm) and CNstream in parallel. The acquired CNV calls were merged with HD-CNV (Hotspot Detector for Copy Number Variants) program and only the CNVs predicted by at least two programs, were considered in subsequent analysis.

Literature cited by the submitters: PubMed 25666259.